The following is an entry in ClinVar:

NM_006231.4(POLE):c.1169A>G (p.Gln390Arg)

Gene: POLE (DNA polymerase epsilon, catalytic subunit; minus strand). Cytogenetic location: 12q24.33.
Variant type: single nucleotide variant.
Coding change: c.1169A>G on transcript NM_006231.4 (MANE Select); coding-DNA position 1169, A replaced by G.
Protein change: p.Gln390Arg; replaces glutamine 390 with arginine.
Molecular consequence: missense variant.
Genome position (GRCh38, 1-based): chr12:132,675,455, T>C on the plus strand (A>G on the coding strand, the complement: POLE is on the minus strand). VCF-style: chr12-132675455-T-C. GRCh37 (hg19) VCF-style: chr12-133252041-T-C.
Other names: short protein forms Q390R.
Identifiers: ClinVar variation 847926 (VCV000847926.13), dbSNP rs1237895479, ClinGen allele CA387360905.

ClinVar aggregate classification (germline): Uncertain significance. Review status: criteria provided, multiple submitters, no conflicts (2 of 4 stars). 2 submissions from 2 submitters: Uncertain significance (2). Last evaluated 2025-02-17.

Conditions:
Hereditary cancer-predisposing syndrome. Also called: Tumor predisposition; Hereditary neoplastic syndrome; Neoplastic Syndromes, Hereditary; Hereditary Cancer Syndrome. Identifiers: Orphanet 140162, MedGen C0027672, MeSH D009386, MONDO:0015356.

Allele frequency attached by ClinVar (database versions not stated): TOPMed below 0.00001; gnomAD 0.00001.

Submissions (2):

Labcorp Genetics (formerly Invitae), Labcorp
Classification: Uncertain significance. Last evaluated: 2025-02-17. Review status: criteria provided, single submitter. Criteria: Invitae Variant Classification Sherloc (09022015). Collection method: clinical testing. Allele origin: germline.
Comment: This sequence change replaces glutamine, which is neutral and polar, with arginine, which is basic and polar, at codon 390 of the POLE protein (p.Gln390Arg). This variant is not present in population databases (gnomAD no frequency). This variant has not been reported in the literature in individuals affected with POLE-related conditions. ClinVar contains an entry for this variant (Variation ID: 847926). Invitae Evidence Modeling of protein sequence and biophysical properties (such as structural, functional, and spatial information, amino acid conservation, physicochemical variation, residue mobility, and thermodynamic stability) indicates that this missense variant is not expected to disrupt POLE protein function with a negative predictive value of 80%. In summary, the available evidence is currently insufficient to determine the role of this variant in disease. Therefore, it has been classified as a Variant of Uncertain Significance.

Ambry Genetics
Classification: Uncertain significance for Hereditary cancer-predisposing syndrome. Last evaluated: 2024-08-26. Review status: criteria provided, single submitter. Criteria: Ambry Variant Classification Scheme 2023. Collection method: clinical testing. Allele origin: germline.
Comment: The p.Q390R variant (also known as c.1169A>G), located in coding exon 12 of the POLE gene, results from an A to G substitution at nucleotide position 1169. The glutamine at codon 390 is replaced by arginine, an amino acid with highly similar properties. This amino acid position is highly conserved in available vertebrate species. In addition, the in silico prediction for this alteration is inconclusive. Since supporting evidence is limited at this time, the clinical significance of this alteration remains unclear.